The following is an entry in ClinVar:

NM_000350.3(ABCA4):c.5885T>C (p.Val1962Ala)

Gene: ABCA4 (ATP binding cassette subfamily A member 4; minus strand). Cytogenetic location: 1p22.1.
Variant type: single nucleotide variant.
Coding change: c.5885T>C on transcript NM_000350.3 (MANE Select); coding-DNA position 5885, T replaced by C.
Protein change: p.Val1962Ala; replaces valine 1962 with alanine.
Molecular consequence: missense variant.
Genome position (GRCh38, 1-based): chr1:94,008,248, A>G on the plus strand (T>C on the coding strand, the complement: ABCA4 is on the minus strand). VCF-style: chr1-94008248-A-G. GRCh37 (hg19) VCF-style: chr1-94473804-A-G.
Other names: c.5663T>C, p.Val1888Ala (NM_001425324.1); short protein forms V1888A, V1962A.
Identifiers: ClinVar variation 4990372 (VCV004990372.1).

ClinVar aggregate classification (germline): Uncertain significance (1 of 4 stars; one submission).

Conditions:
ABCA4-related disorder. Also called: ABCA4-related disorders; ABCA4-related condition. Identifiers: MedGen CN239167.

gnomAD v4.1: 4 of 1,614,018 alleles (0.00025%); highest among the groups gnomAD compares: African/African-American, 0.0053%; no homozygotes.

Submission:

PreventionGenetics, part of Exact Sciences
Classification: Uncertain significance for ABCA4-related condition. Last evaluated: 2026-01-02. Review status: criteria provided, single submitter. Criteria: ACMG Guidelines, 2015. Collection method: clinical testing. Allele origin: germline.
Comment: The ABCA4 c.5885T>C variant is predicted to result in the amino acid substitution p.Val1962Ala. To our knowledge, this variant has not been reported in the literature. This variant is reported in 0.0062% of alleles in individuals of African descent in gnomAD. At this time, the clinical significance of this variant is uncertain due to the absence of conclusive functional and genetic evidence.